The following is an entry in ClinVar:

ClinVar aggregate classification (germline): Uncertain significance (0 of 4 stars; one submission).

Conditions:
CTNNA3-related disorder. Also called: CTNNA3-related condition.

gnomAD v4.1: 1 of 1,612,266 alleles (0.000062%); highest among the groups gnomAD compares: Non-Finnish European, 0.000085%; no homozygotes.

Submission:

PreventionGenetics, part of Exact Sciences
Classification: Uncertain significance for CTNNA3-related condition. Last evaluated: 2024-03-21. Review status: no assertion criteria provided. Collection method: clinical testing. Allele origin: germline.
Comment: The CTNNA3 c.1732+1G>A variant is predicted to disrupt the GT donor site and interfere with normal splicing. To our knowledge, this variant has not been reported in the literature. This variant is reported in 0.00088% of alleles in individuals of European (Non-Finnish) descent in gnomAD. At this time, the clinical significance of this variant is uncertain due to the absence of conclusive functional and genetic evidence.

NM_013266.4(CTNNA3):c.1732+1G>A

Gene: CTNNA3 (catenin alpha 3; minus strand). Cytogenetic location: 10q21.3.
Variant type: single nucleotide variant.
Coding change: c.1732+1G>A on transcript NM_013266.4 (MANE Select); the canonical splice donor site of the intron after coding-DNA position 1732, G replaced by A.
Molecular consequence: splice donor variant.
Genome position (GRCh38, 1-based): chr10:66,379,151, C>T on the plus strand (G>A on the coding strand, the complement: CTNNA3 is on the minus strand). VCF-style: chr10-66379151-C-T. GRCh37 (hg19) VCF-style: chr10-68138909-C-T.
Other names: c.1732+1G>A (NM_001127384.3).
Identifiers: ClinVar variation 3358549 (VCV003358549.1).